The following is an entry in ClinVar:

ClinVar aggregate classification (germline): Uncertain significance. Review status: criteria provided, multiple submitters, no conflicts (2 of 4 stars). 2 submissions from 2 submitters: Uncertain significance (2). Last evaluated 2025-11-03.

Conditions:
Cardiovascular phenotype. Identifiers: MedGen CN230736.

gnomAD v4.1: 42 of 1,551,896 alleles (0.0027%); highest among the groups gnomAD compares: Non-Finnish European, 0.0036%; no homozygotes.

Submissions (2):

Ambry Genetics
Classification: Uncertain significance for Cardiovascular phenotype. Last evaluated: 2025-11-03. Review status: criteria provided, single submitter. Criteria: Ambry Variant Classification Scheme 2023. Collection method: clinical testing. Allele origin: germline.
Comment: The p.G52R variant (also known as c.154G>A), located in coding exon 1 of the LOX gene, results from a G to A substitution at nucleotide position 154. The glycine at codon 52 is replaced by arginine, an amino acid with dissimilar properties. This amino acid position is highly conserved in available vertebrate species. In addition, the in silico prediction for this alteration is inconclusive. Based on the available evidence, the clinical significance of this variant remains unclear.

Labcorp Genetics (formerly Invitae), Labcorp
Classification: Uncertain significance. Last evaluated: 2025-10-29. Review status: criteria provided, single submitter. Criteria: Invitae Variant Classification Sherloc (09022015). Collection method: clinical testing. Allele origin: germline.
Comment: This sequence change replaces glycine, which is neutral and non-polar, with arginine, which is basic and polar, at codon 52 of the LOX protein (p.Gly52Arg). This variant is present in population databases (no rsID available, gnomAD 0.001%). This variant has not been reported in the literature in individuals affected with LOX-related conditions. ClinVar contains an entry for this variant (Variation ID: 1775023). Invitae Evidence Modeling of protein sequence and biophysical properties (such as structural, functional, and spatial information, amino acid conservation, physicochemical variation, residue mobility, and thermodynamic stability) indicates that this missense variant is expected to disrupt LOX protein function with a positive predictive value of 95%. In summary, the available evidence is currently insufficient to determine the role of this variant in disease. Therefore, it has been classified as a Variant of Uncertain Significance.

NM_002317.7(LOX):c.154G>A (p.Gly52Arg)

Genes: LOX (lysyl oxidase; minus strand), SRFBP1 (serum response factor binding protein 1; plus strand). Cytogenetic location: 5q23.1.
Variant type: single nucleotide variant.
Coding change: c.154G>A on transcript NM_002317.7 (MANE Select); coding-DNA position 154, G replaced by A.
Protein change: p.Gly52Arg; replaces glycine 52 with arginine.
Molecular consequence: missense variant.
Genome position (GRCh38, 1-based): chr5:122,077,832, C>T on the plus strand (G>A on the coding strand, the complement: LOX is on the minus strand). VCF-style: chr5-122077832-C-T. GRCh37 (hg19) VCF-style: chr5-121413527-C-T.
Other names: short protein forms G52R.
Identifiers: ClinVar variation 1775023 (VCV001775023.8), dbSNP rs774886810, ClinGen allele CA360877914.
Genomic context (GRCh38, chr5:122,077,832, plus strand): 5'-GGTCCCGGCGGCGCTGAGGCTGGTACTGTGAGCCCAGGCTCAGCAAGCTGAACACCTGCC[C>T]GTTGTTCTCCCATTGGATCTGCTGGCGCCAGGCGCCCGGAGCCGCCGGCGGCTCGCGCGG-3'
Protein context (NP_002308.2, residues 42-62): WRQQIQWENN[Gly52Arg]QVFSLLSLGS